The following is an entry in ClinVar:

ClinVar aggregate classification (germline): Conflicting classifications of pathogenicity. Review status: criteria provided, conflicting classifications (1 of 4 stars). 6 submissions from 6 submitters: Uncertain significance (5); Likely benign (1). Last evaluated 2025-10-27.

Conditions:
Hereditary cancer-predisposing syndrome. Also called: Hereditary Cancer Syndrome; Neoplastic Syndromes, Hereditary; Tumor predisposition; Hereditary neoplastic syndrome. Identifiers: Orphanet 140162, MedGen C0027672, MeSH D009386, MONDO:0015356.
Breast-ovarian cancer, familial, susceptibility to, 2 (BROVCA2). Also called: BRCA2 Hereditary Breast and Ovarian Cancer. Identifiers: Orphanet 145, MedGen C2675520, MONDO:0012933, OMIM 612555. Disease mechanism: loss of function.
Hereditary breast ovarian cancer syndrome. Also called: Hereditary breast and/or ovarian cancer syndrome; BRCA1- and BRCA2-Associated Hereditary Breast and Ovarian Cancer; Hereditary breast and ovarian cancer syndrome (HBOC); Hereditary breast and ovarian cancer; Hereditary breast and ovarian cancer syndrome; Breast and ovarian cancer. Identifiers: Orphanet 145, MedGen C0677776, MeSH D061325, MONDO:0003582. Disease mechanism: loss of function.

Submissions (6):

Labcorp Genetics (formerly Invitae), Labcorp
Classification: Uncertain significance for Hereditary breast ovarian cancer syndrome. Last evaluated: 2025-10-27. Review status: criteria provided, single submitter. Criteria: Invitae Variant Classification Sherloc (09022015). Collection method: clinical testing. Allele origin: germline.
Comment: This sequence change replaces alanine, which is neutral and non-polar, with glycine, which is neutral and non-polar, at codon 632 of the BRCA2 protein (p.Ala632Gly). This variant is not present in population databases (gnomAD no frequency). This variant has not been reported in the literature in individuals affected with BRCA2-related conditions. ClinVar contains an entry for this variant (Variation ID: 231497). Invitae Evidence Modeling of protein sequence and biophysical properties (such as structural, functional, and spatial information, amino acid conservation, physicochemical variation, residue mobility, and thermodynamic stability) indicates that this missense variant is not expected to disrupt BRCA2 protein function with a negative predictive value of 95%. In summary, the available evidence is currently insufficient to determine the role of this variant in disease. Therefore, it has been classified as a Variant of Uncertain Significance.

Color Diagnostics, LLC DBA Color Health
Classification: Uncertain significance for Hereditary cancer-predisposing syndrome. Last evaluated: 2025-06-17. Review status: criteria provided, single submitter. Criteria: ACMG Guidelines, 2015. Collection method: clinical testing. Allele origin: germline.
Comment: This missense variant replaces alanine with glycine at codon 632 of the BRCA2 protein. Computational prediction suggests that this variant may not impact protein structure and function. To our knowledge, functional studies have not been reported for this variant. This variant has not been reported in individuals affected with BRCA2-related disorders in the literature. This variant has not been identified in the general population by the Genome Aggregation Database (gnomAD). The available evidence is insufficient to determine the role of this variant in disease conclusively. Therefore, this variant is classified as a Variant of Uncertain Significance.

Ambry Genetics
Classification: Uncertain significance for Hereditary cancer-predisposing syndrome. Last evaluated: 2025-03-08. Review status: criteria provided, single submitter. Criteria: Ambry Variant Classification Scheme 2023. Collection method: clinical testing. Allele origin: germline.
Comment: The p.A632G variant (also known as c.1895C>G), located in coding exon 9 of the BRCA2 gene, results from a C to G substitution at nucleotide position 1895. The alanine at codon 632 is replaced by glycine, an amino acid with similar properties. This amino acid position is poorly conserved in available vertebrate species. In addition, this alteration is predicted to be tolerated by in silico analysis. Since supporting evidence is limited at this time, the clinical significance of this alteration remains unclear.

All of Us Research Program, National Institutes of Health
Classification: Uncertain significance for Breast-ovarian cancer, familial, susceptibility to, 2. Last evaluated: 2023-07-19. Review status: criteria provided, single submitter. Criteria: ACMG Guidelines, 2015. Collection method: clinical testing. Allele origin: germline. Inheritance: Autosomal dominant inheritance. Observed: 3 variant alleles, 3 heterozygotes.
Comment: This missense variant replaces alanine with glycine at codon 632 of the BRCA2 protein. Computational prediction suggests that this variant may not impact protein structure and function (internally defined REVEL score threshold <= 0.5, PMID: 27666373). To our knowledge, functional studies have not been reported for this variant. This variant has not been reported in individuals affected with BRCA2-related disorders in the literature. This variant has not been identified in the general population by the Genome Aggregation Database (gnomAD). The available evidence is insufficient to determine the role of this variant in disease conclusively. Therefore, this variant is classified as a Variant of Uncertain Significance.

This study involves interpretation of variants in research participants for the purpose of population health screening. Participant phenotype was not available at the time of variant classification. Additional details can be found in publication PMID: 35346344, PMCID: PMC8962531

University of Washington Department of Laboratory Medicine, University of Washington
Classification: Likely benign for Hereditary cancer-predisposing syndrome. Last evaluated: 2023-03-23. Review status: criteria provided, single submitter. Criteria: Dines et al. (Genet Med. 2020). Collection method: curation. Allele origin: germline.
Comment: Missense variant in a coldspot region where missense variants are very unlikely to be pathogenic (PMID:31911673).

BRCA2 exon 10 coldspot. Reclassification based on statistical prior probability.

Women's Health and Genetics/Laboratory Corporation of America, LabCorp
Classification: Uncertain significance. Last evaluated: 2020-05-26. Review status: criteria provided, single submitter. Criteria: LabCorp Variant Classification Summary - May 2015. Collection method: clinical testing. Allele origin: germline.
Comment: Variant summary: BRCA2 c.1895C>G (p.Ala632Gly) results in a non-conservative amino acid change in the encoded protein sequence. Three of five in-silico tools predict a benign effect of the variant on protein function. The variant was absent in 241452 control chromosomes (gnomAD). The available data on variant occurrences in the general population are insufficient to allow any conclusion about variant significance. To our knowledge, no occurrence of c.1895C>G in individuals affected with Hereditary Breast And Ovarian Cancer Syndrome and no experimental evidence demonstrating its impact on protein function have been reported. Three ClinVar submitters (evaluation after 2014) cite the variant as uncertain significance. Based on the evidence outlined above, the variant was classified as uncertain significance.

NM_000059.4(BRCA2):c.1895C>G (p.Ala632Gly)

Gene: BRCA2 (BRCA2 DNA repair associated; plus strand). Cytogenetic location: 13q13.1.
Variant type: single nucleotide variant.
Coding change: c.1895C>G on transcript NM_000059.4 (MANE Select); coding-DNA position 1895, C replaced by G.
Protein change: p.Ala632Gly; replaces alanine 632 with glycine.
Molecular consequence: missense variant.
Genome position (GRCh38, 1-based): chr13:32,333,373, C>G. VCF-style: chr13-32333373-C-G. GRCh37 (hg19) VCF-style: chr13-32907510-C-G.
Other names: short protein forms A632G.
Identifiers: ClinVar variation 231497 (VCV000231497.22), dbSNP rs876659192, ClinGen allele CA10579512.